The following is an entry in ClinVar:

ClinVar aggregate classification (germline): Pathogenic (1 of 4 stars; one submission).

Conditions:
USH2A-related disorder. Also called: USH2A-related condition; USH2A-related disorders. Identifiers: MedGen CN239332.

Submission:

Myriad Genetics, Inc.
Classification: Pathogenic for USH2A-related disorder. Last evaluated: 2024-11-17. Review status: criteria provided, single submitter. Criteria: Myriad Autosomal Dominant, Autosomal Recessive and X-Linked Classification Criteria (2023). Collection method: clinical testing. Allele origin: unknown.
Comment: NM_206933.2(USH2A):c.683delA(N228Mfs*15) is expected to be pathogenic in the context of USH2A-related disorders. This variant is predicted to lead to an abnormal or absent protein product due to the creation of a premature termination codon in USH2A, a gene where loss-of-function variants are known to be pathogenic. Please note: this variant was assessed in the context of healthy population screening.

NM_206933.4(USH2A):c.683del (p.Asn228fs)

Gene: USH2A (usherin; minus strand). Cytogenetic location: 1q41.
Variant type: Deletion.
Coding change: c.683del on transcript NM_206933.4 (MANE Select); coding-DNA position 683, one base deleted (A; older notation c.683delA).
Protein change: p.Asn228fs; shifts the reading frame from asparagine 228.
Molecular consequence: frameshift variant.
Genome position (GRCh38, 1-based): chr1:216,365,054, T deleted on the plus strand (A on the coding strand, the reverse complement: USH2A is on the minus strand); the first of 2 consecutive T bases (chr1:216,365,054-216,365,055); deleting either gives the same sequence. VCF-style (leftmost placement, unchanged base first): chr1-216365053-AT-A. GRCh37 (hg19) VCF-style: chr1-216538395-AT-A.
Other names: c.683del, p.Asn228fs (NM_007123.6); short protein forms N228fs.
Identifiers: ClinVar variation 5013762 (VCV005013762.1).